The following is an entry in ClinVar:

NM_000256.3(MYBPC3):c.3062T>C (p.Ile1021Thr)

Gene: MYBPC3 (myosin binding protein C3; minus strand). Cytogenetic location: 11p11.2.
Variant type: single nucleotide variant.
Coding change: c.3062T>C on transcript NM_000256.3 (MANE Select); coding-DNA position 3062, T replaced by C.
Protein change: p.Ile1021Thr; replaces isoleucine 1021 with threonine.
Molecular consequence: missense variant.
Genome position (GRCh38, 1-based): chr11:47,333,685, A>G on the plus strand (T>C on the coding strand, the complement: MYBPC3 is on the minus strand). VCF-style: chr11-47333685-A-G. GRCh37 (hg19) VCF-style: chr11-47355236-A-G.
Other names: short protein forms I1021T.
Identifiers: ClinVar variation 5000716 (VCV005000716.1).
Genomic context (GRCh38, chr11:47,333,685, plus strand): 5'-CCTGAATGCACGCGGCGAGCGGCCCGGATGAACAGGATGGTGTCTGTGGGGCTGTTGCGG[A>G]TGCTCACCTCCTCGCCTGCCAGGGGCTGCCCCTCTTTGGTCCAGGTCACCTGAGGCCGGG-3'
Protein context (NP_000247.2, residues 1011-1031): GQPLAGEEVS[Ile1021Thr]RNSPTDTILF

ClinVar aggregate classification (germline): Uncertain significance (1 of 4 stars; one submission).

Conditions:
MYBPC3-related disorder. Also called: MYBPC3-related disorders; MYBPC3-related condition; MYBPC3-related disease.

gnomAD v4.1: 1 of 1,611,426 alleles (0.000062%); no homozygotes.

Submission:

PreventionGenetics, part of Exact Sciences
Classification: Uncertain significance for MYBPC3-related condition. Last evaluated: 2025-05-23. Review status: criteria provided, single submitter. Criteria: ACMG Guidelines, 2015. Collection method: clinical testing. Allele origin: germline.
Comment: The MYBPC3 c.3062T>C variant is predicted to result in the amino acid substitution p.Ile1021Thr. To our knowledge, this variant has not been reported in the literature or in a large population database (gnomAD), indicating this variant is rare. At this time, the clinical significance of this variant is uncertain due to the absence of conclusive functional and genetic evidence.